The following is an entry in ClinVar:

ClinVar aggregate classification (germline): Uncertain significance (1 of 4 stars; one submission).

Conditions:
Cardiovascular phenotype. Identifiers: MedGen CN230736.

Allele frequency attached by ClinVar (database versions not stated): gnomAD exomes below 0.00001; TOPMed below 0.00001; ExAC 0.00001; gnomAD 0.00001.
gnomAD v4.1: 2 of 1,614,036 alleles (0.00012%); highest among the groups gnomAD compares: Admixed American, 0.0017%; no homozygotes.

Submission:

Ambry Genetics
Classification: Uncertain significance for Cardiovascular phenotype. Last evaluated: 2023-05-01. Review status: criteria provided, single submitter. Criteria: Ambry Variant Classification Scheme 2023. Collection method: clinical testing. Allele origin: germline.
Comment: The p.V1968I variant (also known as c.5902G>A), located in coding exon 26 of the APOB gene, results from a G to A substitution at nucleotide position 5902. The valine at codon 1968 is replaced by isoleucine, an amino acid with highly similar properties. This amino acid position is conserved. In addition, this alteration is predicted to be tolerated by in silico analysis. Since supporting evidence is limited at this time, the clinical significance of this alteration remains unclear.

NM_000384.3(APOB):c.5902G>A (p.Val1968Ile)

Gene: APOB (apolipoprotein B; minus strand). Cytogenetic location: 2p24.1.
Variant type: single nucleotide variant.
Coding change: c.5902G>A on transcript NM_000384.3 (MANE Select); coding-DNA position 5902, G replaced by A.
Protein change: p.Val1968Ile; replaces valine 1968 with isoleucine.
Molecular consequence: missense variant.
Genome position (GRCh38, 1-based): chr2:21,010,966, C>T on the plus strand (G>A on the coding strand, the complement: APOB is on the minus strand). VCF-style: chr2-21010966-C-T. GRCh37 (hg19) VCF-style: chr2-21233838-C-T.
Other names: short protein forms V1968I.
Identifiers: ClinVar variation 2565852 (VCV002565852.2), dbSNP rs774625878, ClinGen allele CA062592.